The following is an entry in ClinVar:

ClinVar aggregate classification (germline): Uncertain significance (1 of 4 stars; one submission).

Allele frequency attached by ClinVar (database versions not stated): ExAC 0.00002; TOPMed 0.00006.
gnomAD v4.1: 15 of 1,611,482 alleles (0.00093%); highest among the groups gnomAD compares: Admixed American, 0.017%; no homozygotes.

Submission:

Labcorp Genetics (formerly Invitae), Labcorp
Classification: Uncertain significance. Last evaluated: 2022-03-26. Review status: criteria provided, single submitter. Criteria: Invitae Variant Classification Sherloc (09022015). Collection method: clinical testing. Allele origin: germline.
Comment: This sequence change falls in intron 13 of the TRIM37 gene. It does not directly change the encoded amino acid sequence of the TRIM37 protein. It affects a nucleotide within the consensus splice site. This variant is present in population databases (rs749856451, gnomAD 0.01%). This variant has not been reported in the literature in individuals affected with TRIM37-related conditions. Variants that disrupt the consensus splice site are a relatively common cause of aberrant splicing (PMID: 17576681, 9536098). Algorithms developed to predict the effect of sequence changes on RNA splicing suggest that this variant is not likely to affect RNA splicing. In summary, the available evidence is currently insufficient to determine the role of this variant in disease. Therefore, it has been classified as a Variant of Uncertain Significance.

Literature cited by the submitters: PubMed 17576681; PubMed 9536098.

NM_015294.6(TRIM37):c.1199+5C>G

Gene: TRIM37 (tripartite motif containing 37; minus strand). Cytogenetic location: 17q22.
Variant type: single nucleotide variant.
Coding change: c.1199+5C>G on transcript NM_015294.6 (MANE Select); 5 bases into the intron after coding-DNA position 1199, C replaced by G.
Molecular consequence: intron variant.
Genome position (GRCh38, 1-based): chr17:59,056,870, G>C on the plus strand (C>G on the coding strand, the complement: TRIM37 is on the minus strand). VCF-style: chr17-59056870-G-C. GRCh37 (hg19) VCF-style: chr17-57134231-G-C.
Other names: c.1199+5C>G (NM_001320989.3, NM_001005207.5, NM_001320988.3 and 1 more transcripts); c.737+5C>G (NM_001353085.2); c.1097+5C>G (NM_001320987.3, NM_001353082.2); c.1148+5C>G (NM_001353086.2); c.464+5C>G (NM_001353083.2); c.833+5C>G (NM_001320990.3).
Identifiers: ClinVar variation 2159336 (VCV002159336.1), dbSNP rs749856451, ClinGen allele CA8678386.